The following is an entry in ClinVar:

NM_005664.4(MKRN3):c.-81C>T

Gene: MKRN3 (makorin ring finger protein 3; plus strand). Cytogenetic location: 15q11.2.
Variant type: single nucleotide variant.
Coding change: c.-81C>T on transcript NM_005664.4 (MANE Select); 81 bases upstream of the start codon, C replaced by T.
Molecular consequence: 5 prime UTR variant.
Genome position (GRCh38, 1-based): chr15:23,565,702, C>T. VCF-style: chr15-23565702-C-T. GRCh37 (hg19) VCF-style: chr15-23810849-C-T.
Identifiers: ClinVar variation 2433752 (VCV002433752.4), dbSNP rs983480863, ClinGen allele CA267639805.

ClinVar aggregate classification (germline): Uncertain significance. Review status: criteria provided, multiple submitters, no conflicts (2 of 4 stars). 2 submissions from 2 submitters: Uncertain significance (2). Last evaluated 2025-01-03.

Conditions:
Precocious puberty, central, 2 (CPPB2). Identifiers: Orphanet 759, MedGen C3809199, MONDO:0014137, OMIM 615346.

gnomAD v4.1: 61 of 1,381,718 alleles (0.0044%); highest among the groups gnomAD compares: Non-Finnish European, 0.0049%; no homozygotes.

Submissions (2):

3billion
Classification: Uncertain significance for Precocious puberty, central, 2. Last evaluated: 2025-01-03. Review status: criteria provided, single submitter. Criteria: ACMG Guidelines, 2015. Collection method: clinical testing. Allele origin: germline. Affected: yes.
Comment: The variant is observed at an extremely low frequency in the gnomAD v4.1.0 dataset (total allele frequency: 0.004%). Predicted Consequence/Location: 5' UTR variant Functional studies provide moderate evidence of the variant having a damaging effect on the gene or gene product (PMID: 30462148). The variant has been reported to be associated with MKRN3-related disorder (PMID: 30462148). However, the evidence of pathogenicity is insufficient at this time. Therefore, this variant is classified as VUS according to the recommendation of ACMG/AMP guideline.

Revvity Omics, Revvity
Classification: Uncertain significance for Precocious puberty, central, 2. Last evaluated: 2021-11-05. Review status: criteria provided, single submitter. Criteria: ACMG Guidelines, 2015. Collection method: clinical testing. Allele origin: germline.

Literature cited by the submitters: PubMed 30462148 (cited by 3billion).